The following is an entry in ClinVar:

NM_002519.3(NPAT):c.3264A>C (p.Lys1088Asn)

Gene: NPAT (nuclear protein, coactivator of histone transcription; minus strand). Cytogenetic location: 11q22.3.
Variant type: single nucleotide variant.
Coding change: c.3264A>C on transcript NM_002519.3 (MANE Select); coding-DNA position 3264, A replaced by C.
Protein change: p.Lys1088Asn; replaces lysine 1088 with asparagine.
Molecular consequence: missense variant.
Genome position (GRCh38, 1-based): chr11:108,161,822, T>G on the plus strand (A>C on the coding strand, the complement: NPAT is on the minus strand). VCF-style: chr11-108161822-T-G. GRCh37 (hg19) VCF-style: chr11-108032549-T-G.
Other names: c.3285A>C, p.Lys1095Asn (NM_001321307.1); short protein forms K1095N, K1088N.
Identifiers: ClinVar variation 2587669 (VCV002587669.2), dbSNP rs2496696740, ClinGen allele CA382511188.
Genomic context (GRCh38, chr11:108,161,822, plus strand): 5'-TTTTAAGGTGGAGGACACATTGGGTGAGTCAAGATTAGGAAAAGAGACTGCATTCCTTTC[T>G]TTGTTTTGGGACACCATCTTATGGTTTGGCCCCTGCGTATTTGCCACAGGAGCAGTAGTG-3'
Protein context (NP_002510.2, residues 1078-1098): GPNHKMVSQN[Lys1088Asn]ERNAVSFPNL

ClinVar aggregate classification (germline): Uncertain significance (1 of 4 stars; one submission).

Submission:

Ambry Genetics
Classification: Uncertain significance. Last evaluated: 2023-07-12. Review status: criteria provided, single submitter. Criteria: Ambry Variant Classification Scheme 2023. Collection method: clinical testing. Allele origin: germline.
Comment: The p.K1088N variant (also known as c.3264A>C), located in coding exon 17 of the NPAT gene, results from an A to C substitution at nucleotide position 3264. The lysine at codon 1088 is replaced by asparagine, an amino acid with similar properties. This amino acid position is conserved. In addition, this alteration is predicted to be tolerated by in silico analysis. Since supporting evidence is limited at this time, the clinical significance of this alteration remains unclear.